The following is an entry in ClinVar:

ClinVar aggregate classification (germline): Likely pathogenic (1 of 4 stars; one submission).

Conditions:
Duchenne muscular dystrophy (DMD). Also called: Duchenne Muscular Dystrophy (DMD); MUSCULAR DYSTROPHY, PSEUDOHYPERTROPHIC PROGRESSIVE, DUCHENNE TYPE. Identifiers: Orphanet 98896, MedGen C0013264, MONDO:0010679, OMIM 310200.

Submission:

Labcorp Genetics (formerly Invitae), Labcorp
Classification: Likely pathogenic for Duchenne muscular dystrophy. Last evaluated: 2021-06-04. Review status: criteria provided, single submitter. Criteria: Invitae Variant Classification Sherloc (09022015). Collection method: clinical testing. Allele origin: germline.
Comment: This sequence change affects an acceptor splice site in intron 51 of the DMD gene. It is expected to disrupt RNA splicing. Variants that disrupt the donor or acceptor splice site typically lead to a loss of protein function (PMID: 16199547), and loss-of-function variants in DMD are known to be pathogenic (PMID: 16770791, 25007885). This variant is not present in population databases (ExAC no frequency). This variant has not been reported in the literature in individuals with DMD-related conditions. Algorithms developed to predict the effect of sequence changes on RNA splicing suggest that this variant may disrupt the consensus splice site, but this prediction has not been confirmed by published transcriptional studies. In summary, the currently available evidence indicates that the variant is pathogenic, but additional data are needed to prove that conclusively. Therefore, this variant has been classified as Likely Pathogenic.

Literature cited by the submitters: PubMed 16199547; PubMed 16770791; PubMed 25007885.

NM_004006.3(DMD):c.7543-2A>G

Gene: DMD (dystrophin; minus strand). Cytogenetic location: Xp21.1.
Variant type: single nucleotide variant.
Coding change: c.7543-2A>G on transcript NM_004006.3 (MANE Select); the canonical splice acceptor site of the intron before coding-DNA position 7543, A replaced by G.
Molecular consequence: splice acceptor variant.
Genome position (GRCh38, 1-based): chrX:31,729,750, T>C on the plus strand (A>G on the coding strand, the complement: DMD is on the minus strand). VCF-style: chrX-31729750-T-C. GRCh37 (hg19) VCF-style: chrX-31747867-T-C.
Other names: c.7519-2A>G (NM_000109.4); c.3520-2A>G (NM_004011.4); c.3511-2A>G (NM_004012.4); c.163-2A>G (NM_004023.3, NM_004020.4, NM_004022.3 and 2 more transcripts); c.7531-2A>G (NM_004009.3); c.7174-2A>G (NM_004010.3).
Identifiers: ClinVar variation 1477229 (VCV001477229.8), dbSNP rs2149018666, ClinGen allele CA412657741.